The following is an entry in ClinVar:

NM_004273.5(CHST3):c.1324G>A (p.Ala442Thr)

Gene: CHST3 (carbohydrate sulfotransferase 3; plus strand). Cytogenetic location: 10q22.1.
Variant type: single nucleotide variant.
Coding change: c.1324G>A on transcript NM_004273.5 (MANE Select); coding-DNA position 1324, G replaced by A.
Protein change: p.Ala442Thr; replaces alanine 442 with threonine.
Molecular consequence: missense variant.
Genome position (GRCh38, 1-based): chr10:72,008,355, G>A. VCF-style: chr10-72008355-G-A. GRCh37 (hg19) VCF-style: chr10-73768113-G-A.
Other names: short protein forms A442T.
Identifiers: ClinVar variation 1041128 (VCV001041128.6), dbSNP rs776562348, ClinGen allele CA5548233.

ClinVar aggregate classification (germline): Uncertain significance (1 of 4 stars; one submission).

Conditions:
Spondyloepiphyseal dysplasia with congenital joint dislocations (SEDCJD). Also called: Chondrodysplasia with Congenital Joint Dislocations, CHST3-Related. Identifiers: Orphanet 263463, MedGen C1837657, MONDO:0007738, OMIM 143095.

Allele frequency attached by ClinVar (database versions not stated): gnomAD exomes 0.00001; ExAC 0.00004; gnomAD 0.00009 and 0.00011; TOPMed 0.00010.

Submission:

Labcorp Genetics (formerly Invitae), Labcorp
Classification: Uncertain significance for Spondyloepiphyseal dysplasia with congenital joint dislocations. Last evaluated: 2021-08-27. Review status: criteria provided, single submitter. Criteria: Invitae Variant Classification Sherloc (09022015). Collection method: clinical testing. Allele origin: germline.
Comment: This sequence change replaces alanine with threonine at codon 442 of the CHST3 protein (p.Ala442Thr). The alanine residue is weakly conserved and there is a small physicochemical difference between alanine and threonine. This variant is present in population databases (rs776562348, ExAC 0.04%). This variant has not been reported in the literature in individuals affected with CHST3-related conditions. Algorithms developed to predict the effect of missense changes on protein structure and function output the following: SIFT: "Tolerated"; PolyPhen-2: "Benign"; Align-GVGD: "Class C0". The threonine amino acid residue is found in multiple mammalian species, which suggests that this missense change does not adversely affect protein function. In summary, the available evidence is currently insufficient to determine the role of this variant in disease. Therefore, it has been classified as a Variant of Uncertain Significance.